The following is an entry in ClinVar:

NC_000017.10:g.(?_79477716)_(80900339_?)dup

Genes: ANAPC11 (anaphase promoting complex subunit 11; plus strand), ARHGDIA (Rho GDP dissociation inhibitor alpha; minus strand), ALYREF (Aly/REF export factor; minus strand), ACTG1 (actin gamma 1; minus strand), ARL16 (ARF like GTPase 16; minus strand) and 49 more. Cytogenetic location: 17q25.3.
Variant type: Duplication.
Identifiers: ClinVar variation 2424500 (VCV002424500.3).

ClinVar aggregate classification (germline): Uncertain significance (1 of 4 stars; one submission).

Submission:

Labcorp Genetics (formerly Invitae), Labcorp
Classification: Uncertain significance. Last evaluated: 2021-02-15. Review status: criteria provided, single submitter. Criteria: Invitae Variant Classification Sherloc (09022015). Collection method: clinical testing. Allele origin: germline.
Comment: A copy number gain of the genomic region encompassing the full coding sequence of the PDE6G gene has been identified. The boundaries of this event are unknown as they extend beyond the assayed region for this gene and therefore may encompass additional genes. As the precise location of this event is unknown, it may be in tandem or it may be located elsewhere in the genome. This variant has not been reported in the literature in individuals with PDE6G-related conditions. In summary, the available evidence is currently insufficient to determine the role of this variant in disease. Therefore, it has been classified as a Variant of Uncertain Significance.